The following is an entry in ClinVar:

NM_015046.7(SETX):c.7454G>A (p.Arg2485Lys)

Gene: SETX (senataxin; minus strand). Cytogenetic location: 9q34.13.
Variant type: single nucleotide variant.
Coding change: c.7454G>A on transcript NM_015046.7 (MANE Select); coding-DNA position 7454, G replaced by A.
Protein change: p.Arg2485Lys; replaces arginine 2485 with lysine.
Molecular consequence: missense variant.
Genome position (GRCh38, 1-based): chr9:132,264,819, C>T on the plus strand (G>A on the coding strand, the complement: SETX is on the minus strand). VCF-style: chr9-132264819-C-T. GRCh37 (hg19) VCF-style: chr9-135140206-C-T.
Other names: c.7454G>A, p.Arg2485Lys (NM_001351527.2); c.7541G>A, p.Arg2514Lys (NM_001351528.2); short protein forms R2514K, R2485K.
Identifiers: ClinVar variation 1758987 (VCV001758987.7), dbSNP rs1180510096, ClinGen allele CA375325467.

ClinVar aggregate classification (germline): Conflicting classifications of pathogenicity. Review status: criteria provided, conflicting classifications (1 of 4 stars). 2 submissions from 2 submitters: Uncertain significance (1); Likely benign (1). Last evaluated 2025-05-27.

Conditions:
Inborn genetic diseases. Identifiers: MedGen C0950123, MeSH D030342.
Spinocerebellar ataxia, autosomal recessive, with axonal neuropathy 2 (SCAN2). Also called: ATAXIA-OCULOMOTOR APRAXIA 2; Ataxia with Oculomotor Apraxia; Ataxia-ocular apraxia-2; Ataxia with Oculomotor Apraxia Type 2. Identifiers: Orphanet 64753, MedGen C1853761, MONDO:0018996, OMIM 606002.
Amyotrophic lateral sclerosis type 4 (ALS4). Also called: NEURONOPATHY, DISTAL HEREDITARY MOTOR, WITH PYRAMIDAL FEATURES; AMYOTROPHIC LATERAL SCLEROSIS 4, JUVENILE. Identifiers: Orphanet 357043, MedGen C1865409, MONDO:0011223, OMIM 602433.

Allele frequency attached by ClinVar (database versions not stated): gnomAD 0.00001; TOPMed 0.00001.
gnomAD v4.1: 35 of 1,614,090 alleles (0.0022%); highest among the groups gnomAD compares: Non-Finnish European, 0.003%; no homozygotes.

Submissions (2):

Labcorp Genetics (formerly Invitae), Labcorp
Classification: Likely benign for Amyotrophic lateral sclerosis type 4; Spinocerebellar ataxia, autosomal recessive, with axonal neuropathy 2. Last evaluated: 2025-05-27. Review status: criteria provided, single submitter. Criteria: Invitae Variant Classification Sherloc (09022015). Collection method: clinical testing. Allele origin: germline.

Ambry Genetics
Classification: Uncertain significance for Inborn genetic diseases. Last evaluated: 2021-10-09. Review status: criteria provided, single submitter. Criteria: Ambry Variant Classification Scheme 2023. Collection method: clinical testing. Allele origin: germline.
Comment: The p.R2485K variant (also known as c.7454G>A), located in coding exon 24 of the SETX gene, results from a G to A substitution at nucleotide position 7454. The arginine at codon 2485 is replaced by lysine, an amino acid with highly similar properties. This amino acid position is conserved. In addition, this alteration is predicted to be tolerated by in silico analysis. Since supporting evidence is limited at this time, the clinical significance of this alteration remains unclear.